The following is an entry in ClinVar:

NM_022124.6(CDH23):c.6366C>T (p.Thr2122=)

Gene: CDH23 (cadherin related 23; plus strand). Cytogenetic location: 10q22.1.
Variant type: single nucleotide variant.
Coding change: c.6366C>T on transcript NM_022124.6 (MANE Select); coding-DNA position 6366, C replaced by T.
Protein change: p.Thr2122=; no amino-acid change (threonine 2122 retained).
Molecular consequence: synonymous variant.
Genome position (GRCh38, 1-based): chr10:71,793,294, C>T. VCF-style: chr10-71793294-C-T. GRCh37 (hg19) VCF-style: chr10-73553051-C-T.
Identifiers: ClinVar variation 795098 (VCV000795098.14), dbSNP rs368440578, ClinGen allele CA5546062.

ClinVar aggregate classification (germline): Likely benign. Review status: criteria provided, multiple submitters, no conflicts (2 of 4 stars). 4 submissions from 4 submitters: Likely benign (2). 2 of the submissions do not count toward it. Last evaluated 2024-10-23.

Conditions:
CDH23-related disorder. Also called: CDH23-related condition; CDH23-related disorders.
Usher syndrome type 1 (USH1). Also called: RETINITIS PIGMENTOSA AND CONGENITAL DEAFNESS. Identifiers: Orphanet 231169, Orphanet 886, MedGen C1568247, MONDO:0010168, OMIM 276900.

Allele frequency attached by ClinVar (database versions not stated): gnomAD exomes 0.00004; TOPMed 0.00004; ExAC 0.00005; gnomAD 0.00005 and 0.00006; ESP Exome Variant Server 0.00016.
gnomAD v4.1: 74 of 1,613,810 alleles (0.0046%); highest among the groups gnomAD compares: Middle Eastern, 0.049%; no homozygotes.

Submissions (4):

Labcorp Genetics (formerly Invitae), Labcorp
Classification: Likely benign. Last evaluated: 2024-10-23. Review status: criteria provided, single submitter. Criteria: Invitae Variant Classification Sherloc (09022015). Collection method: clinical testing. Allele origin: germline.

Blueprint Genetics
Classification: Likely benign. Last evaluated: 2024-09-07. Review status: criteria provided, single submitter. Criteria: ACMG Guidelines, 2015. Collection method: clinical testing. Allele origin: germline.

Natera, Inc.
Classification: Likely benign for Usher syndrome type 1. Last evaluated: 2020-09-30. Review status: no assertion criteria provided. Collection method: clinical testing. Allele origin: germline. Not counted in ClinVar's aggregate classification.

PreventionGenetics, part of Exact Sciences
Classification: Likely benign for CDH23-related condition. Last evaluated: 2019-09-19. Review status: no assertion criteria provided. Collection method: clinical testing. Allele origin: germline. Not counted in ClinVar's aggregate classification.
Comment: This variant is classified as likely benign based on ACMG/AMP sequence variant interpretation guidelines (Richards et al. 2015 PMID: 25741868, with internal and published modifications).